The following is an entry in ClinVar:

ClinVar aggregate classification (germline): Uncertain significance. Review status: criteria provided, multiple submitters, no conflicts (2 of 4 stars). 7 submissions from 7 submitters: Uncertain significance (7). Last evaluated 2026-06-01.

Conditions:
Familial thoracic aortic aneurysm and aortic dissection (TAAD). Also called: Thoracic aortic aneurysms and dissections. Identifiers: Orphanet 91387, MedGen C4707243, MONDO:0019625.
Aortic aneurysm, familial thoracic 4 (AAT4). Also called: AORTIC ANEURYSM/AORTIC DISSECTION AND PATENT DUCTUS ARTERIOSUS. Identifiers: MedGen C1851504, MONDO:0007568, OMIM 132900.
Visceral myopathy 2. Identifiers: MedGen C5543466, MONDO:0859157, OMIM 619350.
Megacystis-microcolon-intestinal hypoperistalsis syndrome 2. Identifiers: MedGen C5543476, MONDO:0025708, OMIM 619351.

Allele frequency attached by ClinVar (database versions not stated): gnomAD 0.00002; TOPMed 0.00002; ExAC 0.00006; gnomAD exomes 0.00006.
gnomAD v4.1: 19 of 1,614,028 alleles (0.0012%); highest among the groups gnomAD compares: Admixed American, 0.023%; no homozygotes.

Submissions (7):

CeGaT Center for Human Genetics Tuebingen
Classification: Uncertain significance. Last evaluated: 2026-06-01. Review status: criteria provided, single submitter. Criteria: CeGaT Center For Human Genetics Tuebingen Variant Classification Criteria Version 2. Collection method: clinical testing. Allele origin: germline. Affected: yes. Observed: 1 variant allele.
Comment: MYH11: PM2

Labcorp Genetics (formerly Invitae), Labcorp
Classification: Uncertain significance for Aortic aneurysm, familial thoracic 4. Last evaluated: 2025-02-12. Review status: criteria provided, single submitter. Criteria: Invitae Variant Classification Sherloc (09022015). Collection method: clinical testing. Allele origin: germline.
Comment: This sequence change replaces lysine, which is basic and polar, with arginine, which is basic and polar, at codon 67 of the MYH11 protein (p.Lys67Arg). This variant is present in population databases (rs777426396, gnomAD 0.02%). This variant has not been reported in the literature in individuals affected with MYH11-related conditions. ClinVar contains an entry for this variant (Variation ID: 1058381). Invitae Evidence Modeling of protein sequence and biophysical properties (such as structural, functional, and spatial information, amino acid conservation, physicochemical variation, residue mobility, and thermodynamic stability) indicates that this missense variant is not expected to disrupt MYH11 protein function with a negative predictive value of 95%. In summary, the available evidence is currently insufficient to determine the role of this variant in disease. Therefore, it has been classified as a Variant of Uncertain Significance.

GeneDx
Classification: Uncertain significance. Last evaluated: 2024-12-04. Review status: criteria provided, single submitter. Criteria: GeneDx Variant Classification Process June 2021. Collection method: clinical testing. Allele origin: germline. Affected: yes.
Comment: In silico analysis indicates that this missense variant does not alter protein structure/function; Has not been previously published as pathogenic or benign to our knowledge

Color Diagnostics, LLC DBA Color Health
Classification: Uncertain significance for Familial thoracic aortic aneurysm and aortic dissection. Last evaluated: 2024-03-06. Review status: criteria provided, single submitter. Criteria: ACMG Guidelines, 2015. Collection method: clinical testing. Allele origin: germline.
Comment: This missense variant replaces lysine with arginine at codon 67 of the MYH11 protein. Computational prediction tool indicates that this variant may have a neutral impact on protein structure and function. To our knowledge, functional studies have not been reported for this variant. This variant has not been reported in individuals affected with MYH11-related disorders in the literature. This variant has been identified in 15/282884 chromosomes in the general population by the Genome Aggregation Database (gnomAD). The available evidence is insufficient to determine the role of this variant in disease conclusively. Therefore, this variant is classified as a Variant of Uncertain Significance.

All of Us Research Program, National Institutes of Health
Classification: Uncertain significance for Familial thoracic aortic aneurysm and aortic dissection. Last evaluated: 2023-12-18. Review status: criteria provided, single submitter. Criteria: ACMG Guidelines, 2015. Collection method: clinical testing. Allele origin: germline. Inheritance: Autosomal dominant inheritance. Observed: 9 variant alleles, 9 heterozygotes.
Comment: This missense variant replaces lysine with arginine at codon 67 of the MYH11 protein. Computational prediction is inconclusive regarding the impact of this variant on protein structure and function (internally defined REVEL score threshold 0.5 < inconclusive < 0.7, PMID: 27666373). To our knowledge, functional studies have not been reported for this variant. This variant has not been reported in individuals affected with cardiovascular disorders in the literature. This variant has been identified in 15/282884 chromosomes in the general population by the Genome Aggregation Database (gnomAD). The available evidence is insufficient to determine the role of this variant in disease conclusively. Therefore, this variant is classified as a Variant of Uncertain Significance.

This study involves interpretation of variants in research participants for the purpose of population health screening. Participant phenotype was not available at the time of variant classification. Additional details can be found in publication PMID: 35346344, PMCID: PMC8962531

Ambry Genetics
Classification: Uncertain significance for Familial thoracic aortic aneurysm and aortic dissection. Last evaluated: 2023-05-05. Review status: criteria provided, single submitter. Criteria: Ambry Variant Classification Scheme 2023. Collection method: clinical testing. Allele origin: germline.
Comment: The p.K67R variant (also known as c.200A>G), located in coding exon 1 of the MYH11 gene, results from an A to G substitution at nucleotide position 200. The lysine at codon 67 is replaced by arginine, an amino acid with highly similar properties. This amino acid position is conserved. In addition, this alteration is predicted to be tolerated by in silico analysis. Since supporting evidence is limited at this time, the clinical significance of this alteration remains unclear.

Fulgent Genetics
Classification: Uncertain significance for Aortic aneurysm, familial thoracic 4; Visceral myopathy 2; Megacystis-microcolon-intestinal hypoperistalsis syndrome 2. Last evaluated: 2021-10-26. Review status: criteria provided, single submitter. Criteria: ACMG Guidelines, 2015. Collection method: clinical testing. Allele origin: unknown.

NM_002474.3(MYH11):c.200A>G (p.Lys67Arg)

Gene: MYH11 (myosin heavy chain 11; minus strand). Cytogenetic location: 16p13.11.
Variant type: single nucleotide variant.
Coding change: c.200A>G on transcript NM_002474.3 (MANE Select); coding-DNA position 200, A replaced by G.
Protein change: p.Lys67Arg; replaces lysine 67 with arginine.
Molecular consequence: missense variant.
Genome position (GRCh38, 1-based): chr16:15,838,053, T>C on the plus strand (A>G on the coding strand, the complement: MYH11 is on the minus strand). VCF-style: chr16-15838053-T-C. GRCh37 (hg19) VCF-style: chr16-15931910-T-C.
Other names: c.200A>G, p.Lys67Arg (NM_001040113.2, NM_001040114.2, NM_022844.3); short protein forms K67R.
Identifiers: ClinVar variation 1058381 (VCV001058381.21), dbSNP rs777426396, ClinGen allele CA7923111.
Genomic context (GRCh38, chr16:15,838,053, plus strand): 5'-ACCTTGGAGAACTTGGGTGGGTTCATCTTCTGGATGTCATCTTTCCCAACCGTGACCTTC[T>C]TGCCATTCTCCACCAGCTCCACAACCACCTCATCCCCCTTCTCCTCCTTAATGCTGGCTG-3'
Protein context (NP_002465.1, residues 57-77): EVVVELVENG[Lys67Arg]KVTVGKDDIQ